The following is an entry in ClinVar:

ClinVar aggregate classification (germline): Uncertain significance. Review status: criteria provided, multiple submitters, no conflicts (2 of 4 stars). 3 submissions from 3 submitters: Uncertain significance (3). Last evaluated 2025-09-08.

Conditions:
Fanconi anemia (FA). Also called: Fanconi's anemia. Identifiers: Orphanet 84, MedGen C0015625, MeSH D005199, MONDO:0019391.

Allele frequency attached by ClinVar (database versions not stated): gnomAD exomes below 0.00001; ExAC 0.00002; gnomAD 0.00002; TOPMed 0.00003.
gnomAD v4.1: 9 of 1,613,600 alleles (0.00056%); highest among the groups gnomAD compares: African/African-American, 0.011%; no homozygotes.

Submissions (3):

Quest Diagnostics Nichols Institute San Juan Capistrano
Classification: Uncertain significance. Last evaluated: 2025-09-08. Review status: criteria provided, single submitter. Criteria: Quest Diagnostics criteria. Collection method: clinical testing. Allele origin: unknown.
Comment: The FANCM c.3254T>C (p.Val1085Ala) variant has not been reported in individuals with FANCM-related conditions in the published literature. The frequency of this variant in the general population (Genome Aggregation Database) is uninformative in the assessment of its pathogenicity. Analysis of this variant using bioinformatics tools for the prediction of the effect of amino acid changes on protein structure and function yielded predictions that this variant is benign. Based on the available information, we are unable to determine the clinical significance of this variant.

GeneDx
Classification: Uncertain significance. Last evaluated: 2023-02-13. Review status: criteria provided, single submitter. Criteria: GeneDx Variant Classification Process June 2021. Collection method: clinical testing. Allele origin: germline. Affected: yes.
Comment: Not observed at significant frequency in large population cohorts (gnomAD); In silico analysis supports that this missense variant does not alter protein structure/function; Has not been previously published as pathogenic or benign to our knowledge

Labcorp Genetics (formerly Invitae), Labcorp
Classification: Uncertain significance for Fanconi anemia. Last evaluated: 2022-08-10. Review status: criteria provided, single submitter. Criteria: Invitae Variant Classification Sherloc (09022015). Collection method: clinical testing. Allele origin: germline.
Comment: This sequence change replaces valine, which is neutral and non-polar, with alanine, which is neutral and non-polar, at codon 1085 of the FANCM protein (p.Val1085Ala). This variant is present in population databases (rs762921287, gnomAD 0.01%). This variant has not been reported in the literature in individuals affected with FANCM-related conditions. Algorithms developed to predict the effect of missense changes on protein structure and function output the following: SIFT: "Tolerated"; PolyPhen-2: "Benign"; Align-GVGD: "Class C0". The alanine amino acid residue is found in multiple mammalian species, which suggests that this missense change does not adversely affect protein function. In summary, the available evidence is currently insufficient to determine the role of this variant in disease. Therefore, it has been classified as a Variant of Uncertain Significance.

NM_020937.4(FANCM):c.3254T>C (p.Val1085Ala)

Gene: FANCM (FA complementation group M; plus strand). Cytogenetic location: 14q21.2.
Variant type: single nucleotide variant.
Coding change: c.3254T>C on transcript NM_020937.4 (MANE Select); coding-DNA position 3254, T replaced by C.
Protein change: p.Val1085Ala; replaces valine 1085 with alanine.
Molecular consequence: missense variant.
Genome position (GRCh38, 1-based): chr14:45,176,008, T>C. VCF-style: chr14-45176008-T-C. GRCh37 (hg19) VCF-style: chr14-45645211-T-C.
Other names: c.3176T>C, p.Val1059Ala (NM_001308133.2); c.3254T>C (NM_020937.3); short protein forms V1059A, V1085A.
Identifiers: ClinVar variation 1974228 (VCV001974228.8), dbSNP rs762921287, ClinGen allele CA7169487.